The following is an entry in ClinVar:

NM_017827.4(SARS2):c.342T>A (p.Thr114=)

Gene: SARS2 (seryl-tRNA synthetase 2, mitochondrial; minus strand). Cytogenetic location: 19q13.2.
Variant type: single nucleotide variant.
Coding change: c.342T>A on transcript NM_017827.4 (MANE Select); coding-DNA position 342, T replaced by A.
Protein change: p.Thr114=; no amino-acid change (threonine 114 retained).
Molecular consequence: synonymous variant.
Genome position (GRCh38, 1-based): chr19:38,926,226, A>T on the plus strand (T>A on the coding strand, the complement: SARS2 is on the minus strand). VCF-style: chr19-38926226-A-T. GRCh37 (hg19) VCF-style: chr19-39416866-A-T.
Other names: c.342T>A, p.Thr114= (NM_001145901.2).
Identifiers: ClinVar variation 387916 (VCV000387916.1), dbSNP rs775160214, ClinGen allele CA9423263.
Genomic context (GRCh38, chr19:38,926,226, plus strand): 5'-TCGTGGCCACTCCCCACCTACTCAGGGCACCATGCTCACCAGCAGGGCCCGCACTGCCTC[A>T]GTCACAGCTGCCTTCTCTTCCTCCAGGCTCCGGATCTGCTCCTGCAGCTGCCTCAGCTCC-3'
Protein context (NP_060297.1, residues 104-124): RSLEEEKAAV[Thr114=]EAVRALLANQ

ClinVar aggregate classification (germline): Likely benign (1 of 4 stars; one submission).

Allele frequency attached by ClinVar (database versions not stated): ExAC 0.00001; gnomAD 0.00001; gnomAD exomes 0.00001 and 0.00005; TOPMed 0.00007.
gnomAD v4.1: 72 of 1,606,526 alleles (0.0045%); highest among the groups gnomAD compares: Non-Finnish European, 0.0058%; no homozygotes.

Submission:

GeneDx
Classification: Likely benign. Last evaluated: 2016-08-04. Review status: criteria provided, single submitter. Criteria: GeneDx Variant Classification (06012015). Collection method: clinical testing. Allele origin: germline. Affected: yes.
Comment: This variant is considered likely benign or benign based on one or more of the following criteria: it is a conservative change, it occurs at a poorly conserved position in the protein, it is predicted to be benign by multiple in silico algorithms, and/or has population frequency not consistent with disease.